The following is an entry in ClinVar:

ClinVar aggregate classification (germline): Uncertain significance (1 of 4 stars; one submission).

Conditions:
Hereditary cancer-predisposing syndrome. Also called: Tumor predisposition; Neoplastic Syndromes, Hereditary; Hereditary neoplastic syndrome; Hereditary Cancer Syndrome. Identifiers: Orphanet 140162, MedGen C0027672, MeSH D009386, MONDO:0015356.

Submission:

Ambry Genetics
Classification: Uncertain significance for Hereditary cancer-predisposing syndrome. Last evaluated: 2024-10-21. Review status: criteria provided, single submitter. Criteria: Ambry Variant Classification Scheme 2023. Collection method: clinical testing. Allele origin: germline.
Comment: The p.N495Y variant (also known as c.1483A>T), located in coding exon 11 of the SDHA gene, results from an A to T substitution at nucleotide position 1483. The asparagine at codon 495 is replaced by tyrosine, an amino acid with dissimilar properties. This amino acid position is conserved. In addition, this alteration is predicted to be deleterious by in silico analysis. Based on the available evidence, the clinical significance of this variant remains unclear.

NM_004168.4(SDHA):c.1483A>T (p.Asn495Tyr)

Gene: SDHA (succinate dehydrogenase complex flavoprotein subunit A; plus strand). Cytogenetic location: 5p15.33.
Variant type: single nucleotide variant.
Coding change: c.1483A>T on transcript NM_004168.4 (MANE Select); coding-DNA position 1483, A replaced by T.
Protein change: p.Asn495Tyr; replaces asparagine 495 with tyrosine.
Molecular consequence: missense variant.
Genome position (GRCh38, 1-based): chr5:240,408, A>T. VCF-style: chr5-240408-A-T. GRCh37 (hg19) VCF-style: chr5-240523-A-T.
Other names: c.1339A>T, p.Asn447Tyr (NM_001294332.2); c.1483A>T, p.Asn495Tyr (NM_001330758.2); short protein forms N495Y, N447Y.
Identifiers: ClinVar variation 3438705 (VCV003438705.1).